The following is an entry in ClinVar:

NM_001291867.2(NHS):c.106C>T (p.Pro36Ser)

Gene: NHS (NHS actin remodeling regulator; plus strand). Cytogenetic location: Xp22.2.
Variant type: single nucleotide variant.
Coding change: c.106C>T on transcript NM_001291867.2 (MANE Select); coding-DNA position 106, C replaced by T.
Protein change: p.Pro36Ser; replaces proline 36 with serine.
Molecular consequence: missense variant.
Genome position (GRCh38, 1-based): chrX:17,375,863, C>T. VCF-style: chrX-17375863-C-T. GRCh37 (hg19) VCF-style: chrX-17393986-C-T.
Other names: c.106C>T (NM_198270.2); c.106C>T, p.Pro36Ser (NM_198270.4); short protein forms P36S.
Identifiers: ClinVar variation 2047505 (VCV002047505.4), dbSNP rs893345497, ClinGen allele CA327283545.

ClinVar aggregate classification (germline): Uncertain significance. Review status: criteria provided, multiple submitters, no conflicts (2 of 4 stars). 2 submissions from 2 submitters: Uncertain significance (2). Last evaluated 2026-08-05.

Conditions:
Inborn genetic diseases. Identifiers: MedGen C0950123, MeSH D030342.
Nance-Horan syndrome (NHS). Identifiers: Orphanet 627, MedGen C0796085, MONDO:0010545, OMIM 302350.

Allele frequency attached by ClinVar (database versions not stated): gnomAD 0.00005; TOPMed 0.00003; gnomAD exomes 0.00004.
gnomAD v4.1: 48 of 1,117,704 alleles (0.0043%); highest among the groups gnomAD compares: Admixed American, 0.006%; no homozygotes.

Submissions (2):

Ambry Genetics
Classification: Uncertain significance for Inborn genetic diseases. Last evaluated: 2026-08-05. Review status: criteria provided, single submitter. Criteria: Ambry Variant Classification Scheme 2023. Collection method: clinical testing. Allele origin: germline.

Labcorp Genetics (formerly Invitae), Labcorp
Classification: Uncertain significance for Nance-Horan syndrome. Last evaluated: 2022-11-01. Review status: criteria provided, single submitter. Criteria: Invitae Variant Classification Sherloc (09022015). Collection method: clinical testing. Allele origin: germline.
Comment: Algorithms developed to predict the effect of missense changes on protein structure and function are either unavailable or do not agree on the potential impact of this missense change (SIFT: "Deleterious"; PolyPhen-2: "Benign"; Align-GVGD: "Class C0"). In summary, the available evidence is currently insufficient to determine the role of this variant in disease. Therefore, it has been classified as a Variant of Uncertain Significance. This sequence change replaces proline, which is neutral and non-polar, with serine, which is neutral and polar, at codon 36 of the NHS protein (p.Pro36Ser). This variant is not present in population databases (gnomAD no frequency). This variant has not been reported in the literature in individuals affected with NHS-related conditions.